The following is an entry in ClinVar:

ClinVar aggregate classification (germline): Uncertain significance (1 of 4 stars; one submission).

Allele frequency attached by ClinVar (database versions not stated): gnomAD exomes below 0.00001 and 0.00001.

Submission:

Labcorp Genetics (formerly Invitae), Labcorp
Classification: Uncertain significance. Last evaluated: 2021-10-09. Review status: criteria provided, single submitter. Criteria: Invitae Variant Classification Sherloc (09022015). Collection method: clinical testing. Allele origin: germline.
Comment: In summary, the available evidence is currently insufficient to determine the role of this variant in disease. Therefore, it has been classified as a Variant of Uncertain Significance. Algorithms developed to predict the effect of missense changes on protein structure and function are either unavailable or do not agree on the potential impact of this missense change (SIFT: "Not Available"; PolyPhen-2: "Probably Damaging"; Align-GVGD: "Not Available"). This variant has not been reported in the literature in individuals affected with ADSSL1-related conditions. This variant is not present in population databases (ExAC no frequency). This sequence change replaces cysteine with tyrosine at codon 318 of the ADSSL1 protein (p.Cys318Tyr). There is a large physicochemical difference between cysteine and tyrosine.

NM_152328.5(ADSS1):c.824G>A (p.Cys275Tyr)

Gene: ADSS1 (adenylosuccinate synthase 1; plus strand). Cytogenetic location: 14q32.33.
Variant type: single nucleotide variant.
Coding change: c.824G>A on transcript NM_152328.5 (MANE Select); coding-DNA position 824, G replaced by A.
Protein change: p.Cys275Tyr; replaces cysteine 275 with tyrosine.
Molecular consequence: missense variant.
Genome position (GRCh38, 1-based): chr14:104,741,878, G>A. VCF-style: chr14-104741878-G-A. GRCh37 (hg19) VCF-style: chr14-105208215-G-A.
Other names: c.209G>A, p.Cys70Tyr (NM_001320424.1); c.953G>A, p.Cys318Tyr (NM_199165.2); short protein forms C275Y, C318Y, C70Y.
Identifiers: ClinVar variation 1681971 (VCV001681971.6), dbSNP rs1398214395, ClinGen allele CA391241991.